The following is an entry in ClinVar:

NM_016373.4(WWOX):c.793T>A (p.Phe265Ile)

Gene: WWOX (WW domain containing oxidoreductase; plus strand). Cytogenetic location: 16q23.1.
Variant type: single nucleotide variant.
Coding change: c.793T>A on transcript NM_016373.4 (MANE Select); coding-DNA position 793, T replaced by A.
Protein change: p.Phe265Ile; replaces phenylalanine 265 with isoleucine.
Molecular consequence: missense variant.
Genome position (GRCh38, 1-based): chr16:78,432,489, T>A. VCF-style: chr16-78432489-T-A. GRCh37 (hg19) VCF-style: chr16-78466386-T-A.
Other names: c.454T>A, p.Phe152Ile (NM_001291997.2); short protein forms F152I, F265I.
Identifiers: ClinVar variation 959768 (VCV000959768.8), dbSNP rs2083245410, ClinGen allele CA396843024.

ClinVar aggregate classification (germline): Uncertain significance (1 of 4 stars; one submission).

Conditions:
Autosomal recessive spinocerebellar ataxia 12. Also called: SPINOCEREBELLAR ATAXIA WITH MENTAL RETARDATION AND EPILEPSY. Identifiers: Orphanet 284282, MedGen C3280452, MONDO:0013687, OMIM 614322.
Developmental and epileptic encephalopathy, 1 (DEE1). Also called: OHTAHARA SYNDROME, X-LINKED; INFANTILE SPASM SYNDROME, X-LINKED 1; X-linked infantile spasms; West's syndrome; Tonic spasms with clustering, arrest of psychomotor development and hypsarrhythmia on EEG; X-Linked Infantile Spasm Syndrome. Identifiers: MedGen C3463992, MONDO:0010632, OMIM 308350. Disease mechanism: loss of function.

Submission:

Labcorp Genetics (formerly Invitae), Labcorp
Classification: Uncertain significance for Developmental and epileptic encephalopathy, 1; Autosomal recessive spinocerebellar ataxia 12. Last evaluated: 2019-09-28. Review status: criteria provided, single submitter. Criteria: Invitae Variant Classification Sherloc (09022015). Collection method: clinical testing. Allele origin: germline.
Comment: In summary, the available evidence is currently insufficient to determine the role of this variant in disease. Therefore, it has been classified as a Variant of Uncertain Significance. Algorithms developed to predict the effect of missense changes on protein structure and function are either unavailable or do not agree on the potential impact of this missense change (SIFT: "Deleterious"; PolyPhen-2: "Possibly Damaging"; Align-GVGD: "C0"). This variant has not been reported in the literature in individuals with WWOX-related conditions. This variant is not present in population databases (ExAC no frequency). This sequence change replaces phenylalanine with isoleucine at codon 265 of the WWOX protein (p.Phe265Ile). The phenylalanine residue is highly conserved and there is a small physicochemical difference between phenylalanine and isoleucine.